The following is an entry in ClinVar:

NM_000494.4(COL17A1):c.2788G>T (p.Gly930Cys)

Gene: COL17A1 (collagen type XVII alpha 1 chain; minus strand). Cytogenetic location: 10q25.1.
Variant type: single nucleotide variant.
Coding change: c.2788G>T on transcript NM_000494.4 (MANE Select); coding-DNA position 2788, G replaced by T.
Protein change: p.Gly930Cys; replaces glycine 930 with cysteine.
Molecular consequence: missense variant.
Genome position (GRCh38, 1-based): chr10:104,039,973, C>A on the plus strand (G>T on the coding strand, the complement: COL17A1 is on the minus strand). VCF-style: chr10-104039973-C-A. GRCh37 (hg19) VCF-style: chr10-105799731-C-A.
Other names: short protein forms G930C.
Identifiers: ClinVar variation 4536724 (VCV004536724.1).
Genomic context (GRCh38, chr10:104,039,973, plus strand): 5'-GTGAGCTTTTGCCATCCCCACCCCTACCCCAGGTTTTGTTTGATGCCGGCTCTACTGTAC[C>A]TTGGTGTCCTCTGGGGCCTGGGGGACCTGAGGGAAAAAGGCAGAGAGCTATGAGACAGGT-3'
Protein context (NP_000485.3, residues 920-940): QGPPGPRGHQ[Gly930Cys]EQGLPGFSTS

ClinVar aggregate classification (germline): Uncertain significance (1 of 4 stars; one submission).

Submission:

Women's Health and Genetics/Laboratory Corporation of America, LabCorp
Classification: Uncertain significance. Last evaluated: 2025-11-13. Review status: criteria provided, single submitter. Criteria: LabCorp Variant Classification Summary - May 2015. Collection method: clinical testing. Allele origin: germline.
Comment: Variant summary: COL17A1 c.2788G>T (p.Gly930Cys) results in a non-conservative amino acid change in the encoded protein sequence. Algorithms developed to predict the effect of missense changes on protein structure and function all suggest that this variant is likely to be disruptive. Several computational tools predict a significant impact on normal splicing: Four predict the variant abolishes the canonical 5' splicing donor site. However, these predictions have yet to be confirmed by functional studies. The variant was absent in 251478 control chromosomes. The available data on variant occurrences in the general population are insufficient to allow any conclusion about variant significance. To our knowledge, no occurrence of c.2788G>T in individuals affected with COL17A1-related conditions and no experimental evidence demonstrating its impact on protein function have been reported. No submitters have cited clinical-significance assessments for this variant to ClinVar. Based on the evidence outlined above, the variant was classified as uncertain significance.